The following is an entry in ClinVar:

ClinVar aggregate classification (germline): Uncertain significance (1 of 4 stars; one submission).

Conditions:
Alstrom syndrome (ALMS). Identifiers: Orphanet 64, MedGen C0268425, MONDO:0008763, OMIM 203800.

Submission:

Labcorp Genetics (formerly Invitae), Labcorp
Classification: Uncertain significance for Alstrom syndrome. Last evaluated: 2022-07-11. Review status: criteria provided, single submitter. Criteria: Invitae Variant Classification Sherloc (09022015). Collection method: clinical testing. Allele origin: germline.
Comment: This variant has not been reported in the literature in individuals affected with ALMS1-related conditions. In summary, the available evidence is currently insufficient to determine the role of this variant in disease. Therefore, it has been classified as a Variant of Uncertain Significance. ClinVar contains an entry for this variant (Variation ID: 963745). This variant is not present in population databases (gnomAD no frequency). This sequence change replaces lysine, which is basic and polar, with asparagine, which is neutral and polar, at codon 332 of the ALMS1 protein (p.Lys332Asn).

NM_001378454.1(ALMS1):c.993A>C (p.Lys331Asn)

Gene: ALMS1 (ALMS1 centrosome and basal body associated protein; plus strand). Cytogenetic location: 2p13.1.
Variant type: single nucleotide variant.
Coding change: c.993A>C on transcript NM_001378454.1 (MANE Select); coding-DNA position 993, A replaced by C.
Protein change: p.Lys331Asn; replaces lysine 331 with asparagine.
Molecular consequence: missense variant.
Genome position (GRCh38, 1-based): chr2:73,424,658, A>C. VCF-style: chr2-73424658-A-C. GRCh37 (hg19) VCF-style: chr2-73651786-A-C.
Other names: c.996A>C, p.Lys332Asn (NM_015120.4); short protein forms K331N, K332N.
Identifiers: ClinVar variation 963745 (VCV000963745.10), dbSNP rs1671344444, ClinGen allele CA347261162.